The following is an entry in ClinVar:

NM_020937.4(FANCM):c.844C>T (p.His282Tyr)

Gene: FANCM (FA complementation group M; plus strand). Cytogenetic location: 14q21.2.
Variant type: single nucleotide variant.
Coding change: c.844C>T on transcript NM_020937.4 (MANE Select); coding-DNA position 844, C replaced by T.
Protein change: p.His282Tyr; replaces histidine 282 with tyrosine.
Molecular consequence: missense variant.
Genome position (GRCh38, 1-based): chr14:45,148,921, C>T. VCF-style: chr14-45148921-C-T. GRCh37 (hg19) VCF-style: chr14-45618124-C-T.
Other names: c.766C>T, p.His256Tyr (NM_001308133.2); c.844C>T, p.His282Tyr (NM_001308134.2); short protein forms H282Y, H256Y.
Identifiers: ClinVar variation 1345310 (VCV001345310.6), dbSNP rs955969135, ClinGen allele CA259612759.

ClinVar aggregate classification (germline): Uncertain significance (1 of 4 stars; one submission).

Conditions:
Fanconi anemia (FA). Also called: Fanconi's anemia. Identifiers: Orphanet 84, MedGen C0015625, MeSH D005199, MONDO:0019391.

Allele frequency attached by ClinVar (database versions not stated): gnomAD exomes below 0.00001; TOPMed 0.00002.

Submission:

Labcorp Genetics (formerly Invitae), Labcorp
Classification: Uncertain significance for Fanconi anemia. Last evaluated: 2023-10-29. Review status: criteria provided, single submitter. Criteria: Invitae Variant Classification Sherloc (09022015). Collection method: clinical testing. Allele origin: germline.
Comment: This sequence change replaces histidine, which is basic and polar, with tyrosine, which is neutral and polar, at codon 282 of the FANCM protein (p.His282Tyr). This variant is not present in population databases (gnomAD no frequency). This variant has not been reported in the literature in individuals affected with FANCM-related conditions. ClinVar contains an entry for this variant (Variation ID: 1345310). Algorithms developed to predict the effect of missense changes on protein structure and function output the following: SIFT: "Not Available"; PolyPhen-2: "Benign"; Align-GVGD: "Not Available". The tyrosine amino acid residue is found in multiple mammalian species, which suggests that this missense change does not adversely affect protein function. In summary, the available evidence is currently insufficient to determine the role of this variant in disease. Therefore, it has been classified as a Variant of Uncertain Significance.